The following is an entry in ClinVar:

ClinVar aggregate classification (germline): Uncertain significance (1 of 4 stars; one submission).

Submission:

Labcorp Genetics (formerly Invitae), Labcorp
Classification: Uncertain significance. Last evaluated: 2025-06-11. Review status: criteria provided, single submitter. Criteria: Invitae Variant Classification Sherloc (09022015). Collection method: clinical testing. Allele origin: germline.
Comment: This variant, c.252_257dup, results in the insertion of 2 amino acid(s) of the LEMD3 protein (p.Ala86_Ala87dup), but otherwise preserves the integrity of the reading frame. This variant is not present in population databases (gnomAD no frequency). This variant has not been reported in the literature in individuals affected with LEMD3-related conditions. Experimental studies and prediction algorithms are not available or were not evaluated, and the functional significance of this variant is currently unknown. In summary, the available evidence is currently insufficient to determine the role of this variant in disease. Therefore, it has been classified as a Variant of Uncertain Significance.

NM_014319.5(LEMD3):c.246GGC[6] (p.Ala87_Gly88insAlaAla)

Gene: LEMD3 (LEM domain containing 3; plus strand). Cytogenetic location: 12q14.3.
Variant type: Microsatellite.
Coding change: c.246GGC[6] on transcript NM_014319.5 (MANE Select); six copies in a row of the 3-base unit GGC starting at c.246; the reference has four copies in a row; two copies, 6 bases duplicated.
Protein change: p.Ala87_Gly88insAlaAla.
Genome position (GRCh38, 1-based): chr12:65,169,848-65,169,853, GGCGGC duplicated; duplicating any 6 consecutive bases within chr12:65,169,840-65,169,853 gives the same sequence; the position shown is the placement nearest the transcript's 3' end. VCF-style (leftmost placement, unchanged base first): chr12-65169839-A-AGCGGCG. GRCh37 (hg19) VCF-style: chr12-65563619-A-AGCGGCG.
Other names: c.246GGC[6], p.Ala87_Gly88insAlaAla (NM_001167614.2).
Identifiers: ClinVar variation 4778695 (VCV004778695.1).